The following is an entry in ClinVar:

ClinVar aggregate classification (germline): Benign. Review status: criteria provided, multiple submitters, no conflicts (2 of 4 stars). 3 submissions from 3 submitters: Benign (3). Last evaluated 2024-05-24.

Conditions:
beta Thalassemia (BTHAL). Also called: Cooley's anemia; Erythroblastic anemia; Mediterranean anemia. Identifiers: Orphanet 848, MedGen C0005283, MONDO:0019402. Disease mechanism: loss of function.

Allele frequency attached by ClinVar (database versions not stated): 1000 Genomes Project 0.71026; TOPMed 0.81180; gnomAD 0.81846 and 0.80659; 1000 Genomes Project 30x 0.71408; gnomAD exomes 0.77099.

Submissions (3):

Genetics Laboratory, Al-Manara University for Medical Sciences
Classification: Benign for beta Thalassemia. Last evaluated: 2024-05-24. Review status: criteria provided, single submitter. Criteria: ACMG Guidelines, 2015. Collection method: research. Allele origin: germline.
Comment: The HBB:c.*316A>C variant in the HBB gene (NM_000518.5) is a downstream transcript variant. This variant meets criteria to be classified as benign for beta thalassemia in ClinVar (Accession: SCV001829077.1, SCV000304627.1).

GeneDx
Classification: Benign. Last evaluated: 2018-11-12. Review status: criteria provided, single submitter. Criteria: GeneDx Variant Classification Process June 2021. Collection method: clinical testing. Allele origin: germline. Affected: yes.

PreventionGenetics, part of Exact Sciences
Classification: Benign. Review status: criteria provided, single submitter. Criteria: ACMG Guidelines, 2015. Collection method: clinical testing. Allele origin: germline.

NM_000518.4(HBB):c.*316A>C

Genes: HBB (hemoglobin subunit beta; minus strand), LOC107133510 (origin of replication at HBB; plus strand), LOC110006319 (beta-globin gene 3' regulatory region; plus strand). Cytogenetic location: 11p15.4.
Variant type: single nucleotide variant.
Coding change: c.*316A>C on transcript NM_000518.4; 316 bases downstream of the stop codon, A replaced by C.
Genome position (GRCh38, 1-based): chr11:5,225,282, T>G on the plus strand (A>C on the coding strand, the complement: HBB is on the minus strand). VCF-style: chr11-5225282-T-G. GRCh37 (hg19) VCF-style: chr11-5246512-T-G.
Identifiers: ClinVar variation 256342 (VCV000256342.8), dbSNP rs7110263, ClinGen allele CA10587124.